The following is an entry in ClinVar:

NM_000059.4(BRCA2):c.5265G>A (p.Glu1755=)

Gene: BRCA2 (BRCA2 DNA repair associated; plus strand). Cytogenetic location: 13q13.1.
Variant type: single nucleotide variant.
Coding change: c.5265G>A on transcript NM_000059.4 (MANE Select); coding-DNA position 5265, G replaced by A.
Protein change: p.Glu1755=; no amino-acid change (glutamic acid 1755 retained).
Molecular consequence: synonymous variant.
Genome position (GRCh38, 1-based): chr13:32,339,620, G>A. VCF-style: chr13-32339620-G-A. GRCh37 (hg19) VCF-style: chr13-32913757-G-A.
Identifiers: ClinVar variation 184997 (VCV000184997.20), dbSNP rs746649823, ClinGen allele CA021875.

ClinVar aggregate classification (germline): Likely benign. Review status: reviewed by expert panel (3 of 4 stars). 5 submissions from 5 submitters: Likely benign (1). 4 of the submissions do not count toward it. Last evaluated 2017-06-29.

Conditions:
Hereditary cancer-predisposing syndrome. Also called: Tumor predisposition; Hereditary Cancer Syndrome; Hereditary neoplastic syndrome; Neoplastic Syndromes, Hereditary. Identifiers: Orphanet 140162, MedGen C0027672, MeSH D009386, MONDO:0015356.
Hereditary breast ovarian cancer syndrome. Also called: Breast and ovarian cancer; Hereditary breast and ovarian cancer syndrome; Hereditary breast and ovarian cancer; BRCA1- and BRCA2-Associated Hereditary Breast and Ovarian Cancer; Hereditary breast and ovarian cancer syndrome (HBOC); Hereditary breast and/or ovarian cancer syndrome. Identifiers: Orphanet 145, MedGen C0677776, MeSH D061325, MONDO:0003582. Disease mechanism: loss of function.
Breast-ovarian cancer, familial, susceptibility to, 2 (BROVCA2). Also called: BRCA2 Hereditary Breast and Ovarian Cancer. Identifiers: Orphanet 145, MedGen C2675520, MONDO:0012933, OMIM 612555. Disease mechanism: loss of function.

Allele frequency attached by ClinVar (database versions not stated): gnomAD exomes below 0.00001; ExAC 0.00001; gnomAD 0.00001; TOPMed 0.00001.
gnomAD v4.1: 1 of 1,611,606 alleles (0.000062%); highest among the groups gnomAD compares: African/African-American, 0.0013%; no homozygotes.

Submissions (5):

Evidence-based Network for the Interpretation of Germline Mutant Alleles (ENIGMA)
Classification: Likely benign for Breast-ovarian cancer, familial, susceptibility to, 2. Last evaluated: 2017-06-29. Review status: reviewed by expert panel. Criteria: ENIGMA BRCA1/2 Classification Criteria (2017-06-29). Collection method: curation. Allele origin: germline.
Comment: Synonymous substitution variant, with low bioinformatic likelihood to result in a splicing aberration (Splicing prior probability 0.02).

Quest Diagnostics Nichols Institute San Juan Capistrano
Classification: Likely benign. Last evaluated: 2025-11-06. Review status: criteria provided, single submitter. Criteria: Quest Diagnostics criteria. Collection method: clinical testing. Allele origin: unknown. Not counted in ClinVar's aggregate classification.

Labcorp Genetics (formerly Invitae), Labcorp
Classification: Likely benign for Hereditary breast ovarian cancer syndrome. Last evaluated: 2025-09-22. Review status: criteria provided, single submitter. Criteria: Invitae Variant Classification Sherloc (09022015). Collection method: clinical testing. Allele origin: germline. Not counted in ClinVar's aggregate classification.

Ambry Genetics
Classification: Likely benign for Hereditary cancer-predisposing syndrome. Last evaluated: 2018-03-23. Review status: criteria provided, single submitter. Criteria: Ambry Variant Classification Scheme 2023. Collection method: clinical testing. Allele origin: germline. Not counted in ClinVar's aggregate classification.

Color Diagnostics, LLC DBA Color Health
Classification: Likely benign for Hereditary cancer-predisposing syndrome. Last evaluated: 2018-01-18. Review status: criteria provided, single submitter. Criteria: ACMG Guidelines, 2015. Collection method: clinical testing. Allele origin: germline. Not counted in ClinVar's aggregate classification.